The following is an entry in ClinVar:

ClinVar aggregate classification (germline): Uncertain significance (1 of 4 stars; one submission).

Conditions:
Inborn genetic diseases. Identifiers: MedGen C0950123, MeSH D030342.

Submission:

Ambry Genetics
Classification: Uncertain significance for Inborn genetic diseases. Last evaluated: 2022-08-22. Review status: criteria provided, single submitter. Criteria: Ambry Variant Classification Scheme 2023. Collection method: clinical testing. Allele origin: germline.
Comment: The p.S121T variant (also known as c.361T>A), located in coding exon 4 of the RAD51 gene, results from a T to A substitution at nucleotide position 361. The serine at codon 121 is replaced by threonine, an amino acid with similar properties. This amino acid position is conserved. In addition, the in silico prediction for this alteration is inconclusive. Since supporting evidence is limited at this time, the clinical significance of this alteration remains unclear.

NM_002875.5(RAD51):c.361T>A (p.Ser121Thr)

Gene: RAD51 (RAD51 recombinase; plus strand). Cytogenetic location: 15q15.1.
Variant type: single nucleotide variant.
Coding change: c.361T>A on transcript NM_002875.5 (MANE Select); coding-DNA position 361, T replaced by A.
Protein change: p.Ser121Thr; replaces serine 121 with threonine.
Molecular consequence: missense variant.
Genome position (GRCh38, 1-based): chr15:40,709,042, T>A. VCF-style: chr15-40709042-T-A. GRCh37 (hg19) VCF-style: chr15-41001240-T-A.
Other names: c.364T>A, p.Ser122Thr (NM_001164269.2, NM_133487.4); c.361T>A, p.Ser121Thr (NM_001164270.2); short protein forms S121T, S122T.
Identifiers: ClinVar variation 1733312 (VCV001733312.2), dbSNP rs2504450654, ClinGen allele CA391751083.